The following is an entry in ClinVar:

ClinVar aggregate classification (germline): Uncertain significance (1 of 4 stars; one submission).

gnomAD v4.1: 33 of 1,545,350 alleles (0.0021%); highest among the groups gnomAD compares: Admixed American, 0.0039%; no homozygotes.

Submission:

GeneDx
Classification: Uncertain significance. Last evaluated: 2023-11-15. Review status: criteria provided, single submitter. Criteria: GeneDx Variant Classification Process June 2021. Collection method: clinical testing. Allele origin: germline. Affected: yes.
Comment: In silico analysis supports that this missense variant does not alter protein structure/function; Has not been previously published as pathogenic or benign to our knowledge

NM_001292063.2(OTOG):c.156-14C>T

Gene: OTOG (otogelin; plus strand). Cytogenetic location: 11p15.1.
Variant type: single nucleotide variant.
Coding change: c.156-14C>T on transcript NM_001292063.2 (MANE Select); 14 bases into the intron before coding-DNA position 156, C replaced by T.
Molecular consequence: intron variant. On other transcripts: missense variant (1).
Genome position (GRCh38, 1-based): chr11:17,548,138, C>T. VCF-style: chr11-17548138-C-T. GRCh37 (hg19) VCF-style: chr11-17569685-C-T.
Other names: c.178C>T, p.Arg60Cys (NM_001277269.2); short protein forms R60C.
Identifiers: ClinVar variation 3253157 (VCV003253157.1), dbSNP rs904320984.